The following is an entry in ClinVar:

NM_033360.4(KRAS):c.5-240G>A

Gene: KRAS (KRAS proto-oncogene, GTPase; minus strand). Cytogenetic location: 12p12.1.
Variant type: single nucleotide variant.
Coding change: c.5-240G>A on transcript NM_033360.4 (MANE Plus Clinical); 240 bases into the intron before coding-DNA position 5, G replaced by A.
Molecular consequence: intron variant.
Genome position (GRCh38, 1-based): chr12:25,210,151, C>T on the plus strand (G>A on the coding strand, the complement: KRAS is on the minus strand). VCF-style: chr12-25210151-C-T. GRCh37 (hg19) VCF-style: chr12-25363085-C-T.
Other names: c.451-240G>A (LRG_344t1, NM_001369787.1, NM_004985.5); c.5-240G>A (LRG_344t2, NM_001369786.1).
Identifiers: ClinVar variation 561623 (VCV000561623.1), dbSNP rs61763587, ClinGen allele CA13773299.

ClinVar aggregate classification (germline): Likely benign (1 of 4 stars; one submission).

Allele frequency attached by ClinVar (database versions not stated): gnomAD 0.01417 and 0.01595; TOPMed 0.01750; 1000 Genomes Project 30x 0.03685; 1000 Genomes Project 0.03874.
gnomAD v4.1: 2,405 of 152,172 alleles (1.6%); highest among the groups gnomAD compares: East Asian, 16%; 85 homozygotes.

Submission:

GeneDx
Classification: Likely benign. Last evaluated: 2018-06-16. Review status: criteria provided, single submitter. Criteria: GeneDx Variant Classification (06012015). Collection method: clinical testing. Allele origin: germline. Affected: yes.
Comment: This variant is considered likely benign or benign based on one or more of the following criteria: it is a conservative change, it occurs at a poorly conserved position in the protein, it is predicted to be benign by multiple in silico algorithms, and/or has population frequency not consistent with disease.